The following is an entry in ClinVar:

ClinVar aggregate classification (germline): Uncertain significance (1 of 4 stars; one submission).

Conditions:
Primary ciliary dyskinesia. Also called: Ciliary dyskinesia. Identifiers: Orphanet 244, MedGen C0008780, MONDO:0016575, HP:0012265.

Allele frequency attached by ClinVar (database versions not stated): TOPMed 0.00001.
gnomAD v4.1: 16 of 1,612,868 alleles (0.00099%); highest among the groups gnomAD compares: Non-Finnish European, 0.0012%; no homozygotes.

Submission:

Labcorp Genetics (formerly Invitae), Labcorp
Classification: Uncertain significance for Primary ciliary dyskinesia. Last evaluated: 2022-05-17. Review status: criteria provided, single submitter. Criteria: Invitae Variant Classification Sherloc (09022015). Collection method: clinical testing. Allele origin: germline.
Comment: In summary, the available evidence is currently insufficient to determine the role of this variant in disease. Therefore, it has been classified as a Variant of Uncertain Significance. Algorithms developed to predict the effect of missense changes on protein structure and function are either unavailable or do not agree on the potential impact of this missense change (SIFT: "Tolerated"; PolyPhen-2: "Not Available"; Align-GVGD: "Class C0"). This variant has not been reported in the literature in individuals affected with DNAH8-related conditions. This variant is not present in population databases (gnomAD no frequency). This sequence change replaces alanine, which is neutral and non-polar, with valine, which is neutral and non-polar, at codon 79 of the DNAH8 protein (p.Ala79Val).

NM_001206927.2(DNAH8):c.236C>T (p.Ala79Val)

Genes: DNAH8 (dynein axonemal heavy chain 8; plus strand), LOC126859667 (BRD4-independent group 4 enhancer GRCh37_chr6:38690326-38691525; plus strand). Cytogenetic location: 6p21.2.
Variant type: single nucleotide variant.
Coding change: c.236C>T on transcript NM_001206927.2 (MANE Select); coding-DNA position 236, C replaced by T.
Protein change: p.Ala79Val; replaces alanine 79 with valine.
Molecular consequence: missense variant. On other transcripts: 5 prime UTR variant (1).
Genome position (GRCh38, 1-based): chr6:38,723,045, C>T. VCF-style: chr6-38723045-C-T. GRCh37 (hg19) VCF-style: chr6-38690821-C-T.
Other names: c.-331C>T (NM_001371.4); short protein forms A79V.
Identifiers: ClinVar variation 2069819 (VCV002069819.4), dbSNP rs1185247828, ClinGen allele CA363984706.